The following is an entry in ClinVar:

NM_015559.3(SETBP1):c.2930A>G (p.Tyr977Cys)

Gene: SETBP1 (SET binding protein 1; plus strand). Cytogenetic location: 18q12.3.
Variant type: single nucleotide variant.
Coding change: c.2930A>G on transcript NM_015559.3 (MANE Select); coding-DNA position 2930, A replaced by G.
Protein change: p.Tyr977Cys; replaces tyrosine 977 with cysteine.
Molecular consequence: missense variant.
Genome position (GRCh38, 1-based): chr18:44,952,270, A>G. VCF-style: chr18-44952270-A-G. GRCh37 (hg19) VCF-style: chr18-42532235-A-G.
Other names: c.2930A>G, p.Tyr977Cys (NM_001379141.1, NM_001379142.1, NM_001410862.1); short protein forms Y977C.
Identifiers: ClinVar variation 2777714 (VCV002777714.3), dbSNP rs2511473829, ClinGen allele CA402322659.

ClinVar aggregate classification (germline): Uncertain significance (1 of 4 stars; one submission).

Submission:

Labcorp Genetics (formerly Invitae), Labcorp
Classification: Uncertain significance. Last evaluated: 2023-07-27. Review status: criteria provided, single submitter. Criteria: Invitae Variant Classification Sherloc (09022015). Collection method: clinical testing. Allele origin: germline.
Comment: This sequence change replaces tyrosine, which is neutral and polar, with cysteine, which is neutral and slightly polar, at codon 977 of the SETBP1 protein (p.Tyr977Cys). This variant is not present in population databases (gnomAD no frequency). This variant has not been reported in the literature in individuals affected with SETBP1-related conditions. Advanced modeling of protein sequence and biophysical properties (such as structural, functional, and spatial information, amino acid conservation, physicochemical variation, residue mobility, and thermodynamic stability) has been performed at Invitae for this missense variant, however the output from this modeling did not meet the statistical confidence thresholds required to predict the impact of this variant on SETBP1 protein function. In summary, the available evidence is currently insufficient to determine the role of this variant in disease. Therefore, it has been classified as a Variant of Uncertain Significance.